The following is an entry in ClinVar:

ClinVar aggregate classification (germline): Likely benign. Review status: criteria provided, multiple submitters, no conflicts (2 of 4 stars). 3 submissions from 3 submitters: Likely benign (3). Last evaluated 2026-01-05.

Conditions:
Autoimmune lymphoproliferative syndrome, type III caused by mutation in PRKCD. Identifiers: Orphanet 3261, Orphanet 664711, MedGen C3809928, MONDO:8000024, OMIM 615559.

Allele frequency attached by ClinVar (database versions not stated): ExAC 0.00003; gnomAD 0.00004; gnomAD exomes 0.00004 and 0.00006; TOPMed 0.00005; ESP Exome Variant Server 0.00015.
gnomAD v4.1: 97 of 1,614,044 alleles (0.006%); highest among the groups gnomAD compares: Non-Finnish European, 0.0075%; no homozygotes.

Submissions (3):

Labcorp Genetics (formerly Invitae), Labcorp
Classification: Likely benign for Autoimmune lymphoproliferative syndrome, type III caused by mutation in PRKCD. Last evaluated: 2026-01-05. Review status: criteria provided, single submitter. Criteria: Invitae Variant Classification Sherloc (09022015). Collection method: clinical testing. Allele origin: germline.

Blueprint Genetics
Classification: Likely benign. Last evaluated: 2024-01-09. Review status: criteria provided, single submitter. Criteria: ACMG Guidelines, 2015. Collection method: clinical testing. Allele origin: germline.

CeGaT Center for Human Genetics Tuebingen
Classification: Likely benign. Last evaluated: 2022-09-01. Review status: criteria provided, single submitter. Criteria: CeGaT Center For Human Genetics Tuebingen Variant Classification Criteria Version 2. Collection method: clinical testing. Allele origin: germline. Affected: yes. Observed: 1 variant allele.
Comment: PRKCD: BP4, BP7

NM_006254.4(PRKCD):c.174G>A (p.Thr58=)

Gene: PRKCD (protein kinase C delta; plus strand). Cytogenetic location: 3p21.1.
Variant type: single nucleotide variant.
Coding change: c.174G>A on transcript NM_006254.4 (MANE Select); coding-DNA position 174, G replaced by A.
Protein change: p.Thr58=; no amino-acid change (threonine 58 retained).
Molecular consequence: synonymous variant.
Genome position (GRCh38, 1-based): chr3:53,179,635, G>A. VCF-style: chr3-53179635-G-A. GRCh37 (hg19) VCF-style: chr3-53213651-G-A.
Other names: c.174G>A, p.Thr58= (NM_001316327.2, NM_001354679.2, NM_001354680.2 and 1 more transcripts); c.231G>A, p.Thr77= (NM_001354676.2); c.222G>A, p.Thr74= (NM_001354678.2).
Identifiers: ClinVar variation 765072 (VCV000765072.31), dbSNP rs55719519, ClinGen allele CA2451699.